The following is an entry in ClinVar:

ClinVar aggregate classification (germline): Uncertain significance (1 of 4 stars; one submission).

Conditions:
BBS2-related disorder. Also called: BBS2-related condition; BBS2-related disorders. Identifiers: MedGen CN239228.

gnomAD v4.1: 2 of 1,614,094 alleles (0.00012%); highest among the groups gnomAD compares: Non-Finnish European, 0.00017%; no homozygotes.

Submission:

PreventionGenetics, part of Exact Sciences
Classification: Uncertain significance for BBS2-related condition. Last evaluated: 2026-01-07. Review status: criteria provided, single submitter. Criteria: ACMG Guidelines, 2015. Collection method: clinical testing. Allele origin: germline.
Comment: The BBS2 c.305C>T variant is predicted to result in the amino acid substitution p.Ala102Val. To our knowledge, this variant has not been reported in the literature or in a large population database (gnomAD), indicating this variant is rare. At this time, the clinical significance of this variant is uncertain due to the absence of conclusive functional and genetic evidence.

NM_031885.5(BBS2):c.305C>T (p.Ala102Val)

Gene: BBS2 (Bardet-Biedl syndrome 2; minus strand). Cytogenetic location: 16q13.
Variant type: single nucleotide variant.
Coding change: c.305C>T on transcript NM_031885.5 (MANE Select); coding-DNA position 305, C replaced by T.
Protein change: p.Ala102Val; replaces alanine 102 with valine.
Molecular consequence: missense variant. On other transcripts: non-coding transcript variant (5).
Genome position (GRCh38, 1-based): chr16:56,514,493, G>A on the plus strand (C>T on the coding strand, the complement: BBS2 is on the minus strand). VCF-style: chr16-56514493-G-A. GRCh37 (hg19) VCF-style: chr16-56548405-G-A.
Other names: c.305C>T, p.Ala102Val (NM_001377456.1); short protein forms A102V.
Identifiers: ClinVar variation 4992505 (VCV004992505.1).